The following is an entry in ClinVar:

NM_020806.5(GPHN):c.1129A>G (p.Ile377Val)

Gene: GPHN (gephyrin; plus strand). Cytogenetic location: 14q23.3.
Variant type: single nucleotide variant.
Coding change: c.1129A>G on transcript NM_020806.5 (MANE Select); coding-DNA position 1129, A replaced by G.
Protein change: p.Ile377Val; replaces isoleucine 377 with valine.
Molecular consequence: missense variant.
Genome position (GRCh38, 1-based): chr14:67,058,771, A>G. VCF-style: chr14-67058771-A-G. GRCh37 (hg19) VCF-style: chr14-67525488-A-G.
Other names: c.1030A>G, p.Ile344Val (NM_001024218.2); c.1189A>G, p.Ile397Val (NM_001377514.1); c.1159A>G, p.Ile387Val (NM_001377515.1); c.1150A>G, p.Ile384Val (NM_001377516.1); c.1102A>G, p.Ile368Val (NM_001377517.1); c.1087A>G, p.Ile363Val (NM_001377518.1); c.1069A>G, p.Ile357Val (NM_001377519.1); short protein forms I397V, I357V, I377V, I363V, I384V, I344V, I368V, I387V.
Identifiers: ClinVar variation 1468826 (VCV001468826.5), dbSNP rs776300885, ClinGen allele CA263302031.

ClinVar aggregate classification (germline): Uncertain significance (1 of 4 stars; one submission).

Conditions:
Sulfite oxidase deficiency due to molybdenum cofactor deficiency type C. Also called: Molybdenum cofactor deficiency C; Molybdenum cofactor deficiency, complementation group C. Identifiers: Orphanet 308400, Orphanet 833, MedGen C1854990, MONDO:0014212, OMIM 615501.

Allele frequency attached by ClinVar (database versions not stated): TOPMed below 0.00001; gnomAD 0.00001; gnomAD exomes 0.00001.
gnomAD v4.1: 19 of 1,613,628 alleles (0.0012%); highest among the groups gnomAD compares: Non-Finnish European, 0.0016%; no homozygotes.

Submission:

Labcorp Genetics (formerly Invitae), Labcorp
Classification: Uncertain significance for Sulfite oxidase deficiency due to molybdenum cofactor deficiency type C. Last evaluated: 2024-12-28. Review status: criteria provided, single submitter. Criteria: Invitae Variant Classification Sherloc (09022015). Collection method: clinical testing. Allele origin: germline.
Comment: This sequence change replaces isoleucine, which is neutral and non-polar, with valine, which is neutral and non-polar, at codon 377 of the GPHN protein (p.Ile377Val). This variant is present in population databases (rs776300885, gnomAD 0.007%). This variant has not been reported in the literature in individuals affected with GPHN-related conditions. ClinVar contains an entry for this variant (Variation ID: 1468826). Invitae Evidence Modeling of protein sequence and biophysical properties (such as structural, functional, and spatial information, amino acid conservation, physicochemical variation, residue mobility, and thermodynamic stability) indicates that this missense variant is not expected to disrupt GPHN protein function with a negative predictive value of 80%. In summary, the available evidence is currently insufficient to determine the role of this variant in disease. Therefore, it has been classified as a Variant of Uncertain Significance.